The following is an entry in ClinVar:

ClinVar aggregate classification (germline): Benign/Likely benign. Review status: criteria provided, multiple submitters, no conflicts (2 of 4 stars). 2 submissions from 2 submitters: Benign (1); Likely benign (1). Last evaluated 2025-08-17.

Conditions:
Tuberous sclerosis 2 (TSC2). Identifiers: Orphanet 805, MedGen C1860707, MONDO:0013199, OMIM 613254.

Allele frequency attached by ClinVar (database versions not stated): gnomAD exomes 0.00001; ExAC 0.00002.
gnomAD v4.1: 17 of 1,609,432 alleles (0.0011%); highest among the groups gnomAD compares: South Asian, 0.012%; no homozygotes.

Submissions (2):

Labcorp Genetics (formerly Invitae), Labcorp
Classification: Likely benign for Tuberous sclerosis 2. Last evaluated: 2025-08-17. Review status: criteria provided, single submitter. Criteria: Invitae Variant Classification Sherloc (09022015). Collection method: clinical testing. Allele origin: germline.

Myriad Genetics, Inc.
Classification: Benign for Tuberous sclerosis 2. Last evaluated: 2024-09-05. Review status: criteria provided, single submitter. Criteria: Myriad Autosomal Dominant, Autosomal Recessive and X-Linked Classification Criteria (2023). Collection method: clinical testing. Allele origin: unknown.
Comment: This variant is considered benign. This variant is intronic and is not expected to impact mRNA splicing. This variant has been observed at a population frequency that is significantly greater than expected given the associated disease prevalence and penetrance.

NM_000548.5(TSC2):c.4850-9C>T

Gene: TSC2 (TSC complex subunit 2; plus strand). Cytogenetic location: 16p13.3.
Variant type: single nucleotide variant.
Coding change: c.4850-9C>T on transcript NM_000548.5 (MANE Select); 9 bases into the intron before coding-DNA position 4850, C replaced by T.
Molecular consequence: intron variant.
Genome position (GRCh38, 1-based): chr16:2,086,723, C>T. VCF-style: chr16-2086723-C-T. GRCh37 (hg19) VCF-style: chr16-2136724-C-T.
Other names: c.4781-9C>T (NM_001114382.3); c.4721-9C>T (NM_021055.3, NM_001370405.1); c.4652-9C>T (NM_001363528.2); c.4718-9C>T (NM_001370404.1); c.4649-9C>T (NM_001077183.3); c.4541-9C>T (NM_001318827.2); c.4118-9C>T (NM_001318831.2); c.4505-9C>T (NM_001318829.2); and 1 more.
Identifiers: ClinVar variation 1559129 (VCV001559129.9), dbSNP rs778560020, ClinGen allele CA052924.